The following is an entry in ClinVar:

ClinVar aggregate classification (germline): Benign/Likely benign. Review status: criteria provided, multiple submitters, no conflicts (2 of 4 stars). 6 submissions from 6 submitters: Benign (1); Likely benign (5). Last evaluated 2026-05-18.

Conditions:
Hereditary cancer-predisposing syndrome. Also called: Neoplastic Syndromes, Hereditary; Hereditary Cancer Syndrome; Tumor predisposition; Hereditary neoplastic syndrome. Identifiers: Orphanet 140162, MedGen C0027672, MeSH D009386, MONDO:0015356.
Neurofibromatosis, type 1 (NF1). Also called: VON RECKLINGHAUSEN DISEASE; Peripheral type neurofibromatosis; NEUROFIBROMATOSIS, TYPE I, SOMATIC; Neurofibromatosis, type I. Identifiers: Orphanet 636, MedGen C0027831, MONDO:0018975, OMIM 162200. Disease mechanism: loss of function.

Allele frequency attached by ClinVar (database versions not stated): gnomAD exomes below 0.00001; TOPMed below 0.00001; ExAC 0.00002; ESP Exome Variant Server 0.00008.
gnomAD v4.1: 2 of 1,613,744 alleles (0.00012%); highest among the groups gnomAD compares: African/African-American, 0.0013%; no homozygotes.

Submissions (6):

Myriad Genetics, Inc.
Classification: Benign for Neurofibromatosis, type 1. Last evaluated: 2026-05-18. Review status: criteria provided, single submitter. Criteria: Myriad Autosomal Dominant, Autosomal Recessive and X-Linked Classification Criteria (2023). Collection method: clinical testing. Allele origin: unknown.
Comment: This variant is considered benign. This variant is a silent/synonymous amino acid change and it is not expected to impact splicing.

Labcorp Genetics (formerly Invitae), Labcorp
Classification: Likely benign for Neurofibromatosis, type 1. Last evaluated: 2025-11-09. Review status: criteria provided, single submitter. Criteria: Invitae Variant Classification Sherloc (09022015). Collection method: clinical testing. Allele origin: germline.

CeGaT Center for Human Genetics Tuebingen
Classification: Likely benign. Last evaluated: 2025-02-01. Review status: criteria provided, single submitter. Criteria: CeGaT Center For Human Genetics Tuebingen Variant Classification Criteria Version 2. Collection method: clinical testing. Allele origin: germline. Affected: yes. Observed: 1 variant allele.
Comment: NF1: BP4, BP7

Genome-Nilou Lab
Classification: Likely benign for Neurofibromatosis, type 1. Last evaluated: 2022-03-15. Review status: criteria provided, single submitter. Criteria: ACMG Guidelines, 2015. Collection method: clinical testing. Allele origin: germline. Affected: no.

Ambry Genetics
Classification: Likely benign for Hereditary cancer-predisposing syndrome. Last evaluated: 2015-04-23. Review status: criteria provided, single submitter. Criteria: Ambry Autosomal Dominant and X-Linked criteria (10/2015). Collection method: clinical testing. Allele origin: germline. Observed: 1 variant allele.

Breakthrough Genomics
Classification: Likely benign. Review status: criteria provided, single submitter. Criteria: ACMG Guidelines, 2015. Collection method: not provided. Allele origin: germline. Inheritance: Autosomal dominant inheritance. Affected: yes.

NM_001042492.3(NF1):c.2284C>T (p.Leu762=)

Gene: NF1 (neurofibromin 1; plus strand). Cytogenetic location: 17q11.2.
Variant type: single nucleotide variant.
Coding change: c.2284C>T on transcript NM_001042492.3 (MANE Select); coding-DNA position 2284, C replaced by T.
Protein change: p.Leu762=; no amino-acid change (leucine 762 retained).
Molecular consequence: synonymous variant.
Genome position (GRCh38, 1-based): chr17:31,227,250, C>T. VCF-style: chr17-31227250-C-T. GRCh37 (hg19) VCF-style: chr17-29554268-C-T.
Other names: c.2284C>T, p.Leu762= (NM_000267.4).
Identifiers: ClinVar variation 220620 (VCV000220620.27), dbSNP rs370762336, ClinGen allele CA349882.